The following is an entry in ClinVar:

NM_003872.3(NRP2):c.2571G>A (p.Leu857=)

Gene: NRP2 (neuropilin 2; plus strand). Cytogenetic location: 2q33.3.
Variant type: single nucleotide variant.
Coding change: c.2571G>A on transcript NM_003872.3 (MANE Select); coding-DNA position 2571, G replaced by A.
Protein change: p.Leu857=; no amino-acid change (leucine 857 retained).
Molecular consequence: synonymous variant.
Genome position (GRCh38, 1-based): chr2:205,794,848, G>A. VCF-style: chr2-205794848-G-A. GRCh37 (hg19) VCF-style: chr2-206659572-G-A.
Other names: c.2586G>A, p.Leu862= (NM_201266.2); c.2520G>A, p.Leu840= (NM_201279.2).
Identifiers: ClinVar variation 3029689 (VCV003029689.2), dbSNP rs1476644154, ClinGen allele CA431123191.
Genomic context (GRCh38, chr2:205,794,848, plus strand): 5'-TGCAACCTCAGGGTCTGGCGCCCCCTCGACCGACAAAGAAAAGAGCTGGCTGTACACCCT[G>A]GATCCCATCCTCATCACCATCATCGCCATGAGCTCACTGGGCGTCCTCCTGGGGGCCACC-3'
Protein context (NP_003863.2, residues 847-867): TDKEKSWLYT[Leu857=]DPILITIIAM

ClinVar aggregate classification (germline): Benign (0 of 4 stars; one submission).

Conditions:
NRP2-related disorder. Also called: NRP2-related condition.

Allele frequency attached by ClinVar (database versions not stated): TOPMed below 0.00001; gnomAD exomes 0.00001.

Submission:

PreventionGenetics, part of Exact Sciences
Classification: Benign for NRP2-related condition. Last evaluated: 2021-06-27. Review status: no assertion criteria provided. Collection method: clinical testing. Allele origin: germline.
Comment: This variant is classified as benign based on ACMG/AMP sequence variant interpretation guidelines (Richards et al. 2015 PMID: 25741868, with internal and published modifications).